The following is an entry in ClinVar:

ClinVar aggregate classification (germline): Likely benign (1 of 4 stars; one submission).

Conditions:
KIDINS220-related disorder. Also called: KIDINS220-related condition.

Submission:

PreventionGenetics, part of Exact Sciences
Classification: Likely benign for KIDINS220-related condition. Last evaluated: 2025-01-03. Review status: criteria provided, single submitter. Criteria: ACMG Guidelines, 2015. Collection method: clinical testing. Allele origin: germline.
Comment: This variant is classified as likely benign based on ACMG/AMP sequence variant interpretation guidelines (Richards et al. 2015 PMID: 25741868, with internal and published modifications).

NM_020738.4(KIDINS220):c.3033A>G (p.Thr1011=)

Gene: KIDINS220 (kinase D interacting substrate 220; minus strand). Cytogenetic location: 2p25.1.
Variant type: single nucleotide variant.
Coding change: c.3033A>G on transcript NM_020738.4 (MANE Select); coding-DNA position 3033, A replaced by G.
Protein change: p.Thr1011=; no amino-acid change (threonine 1011 retained).
Molecular consequence: synonymous variant. On other transcripts: non-coding transcript variant (2).
Genome position (GRCh38, 1-based): chr2:8,751,623, T>C on the plus strand (A>G on the coding strand, the complement: KIDINS220 is on the minus strand). VCF-style: chr2-8751623-T-C. GRCh37 (hg19) VCF-style: chr2-8891753-T-C.
Other names: c.3036A>G, p.Thr1012= (NM_001348729.2, NM_001348731.2, NM_001348734.2 and 2 more transcripts); c.3033A>G, p.Thr1011= (NM_001348732.2, NM_001348735.2, NM_001348738.2 and 3 more transcripts); c.2907A>G, p.Thr969= (NM_001348736.2).
Identifiers: ClinVar variation 4998615 (VCV004998615.1).
Genomic context (GRCh38, chr2:8,751,623, plus strand): 5'-AAACACTTCAAAATTTCTTATATCTCCATCAATTTCAAGAAGTGGCTCAACATCCTTAGT[T>C]GTTGGAATATTCTTTGATATTCTTCAAATAAGAAATCAATGAAAAAGGTTATTAATGTCA-3'
Protein context (NP_065789.1, residues 1001-1021): IYERISKNIP[Thr1011=]TKDVEPLLEI